The following is an entry in ClinVar:

ClinVar aggregate classification (germline): Uncertain significance. Review status: criteria provided, multiple submitters, no conflicts (2 of 4 stars). 2 submissions from 2 submitters: Uncertain significance (2). Last evaluated 2026-01-27.

Conditions:
Familial hemophagocytic lymphohistiocytosis 3 (FHL3). Also called: UNC13D-Related Familial Hemophagocytic Lymphohistiocytosis (UNC13D-fHLH). Identifiers: Orphanet 540, MedGen C1837174, MONDO:0012146, OMIM 608898.

Allele frequency attached by ClinVar (database versions not stated): TOPMed 0.00002; gnomAD exomes 0.00003; ExAC 0.00005; ESP Exome Variant Server 0.00008.
gnomAD v4.1: 53 of 1,611,216 alleles (0.0033%); highest among the groups gnomAD compares: East Asian, 0.02%; no homozygotes.

Submissions (2):

Labcorp Genetics (formerly Invitae), Labcorp
Classification: Uncertain significance for Familial hemophagocytic lymphohistiocytosis 3. Last evaluated: 2026-01-27. Review status: criteria provided, single submitter. Criteria: Invitae Variant Classification Sherloc (09022015). Collection method: clinical testing. Allele origin: germline.
Comment: This sequence change replaces arginine, which is basic and polar, with histidine, which is basic and polar, at codon 66 of the UNC13D protein (p.Arg66His). This variant is present in population databases (rs371943727, gnomAD 0.01%). This variant has not been reported in the literature in individuals affected with UNC13D-related conditions. ClinVar contains an entry for this variant (Variation ID: 1007793). Invitae Evidence Modeling of protein sequence and biophysical properties (such as structural, functional, and spatial information, amino acid conservation, physicochemical variation, residue mobility, and thermodynamic stability) indicates that this missense variant is expected to disrupt UNC13D protein function with a positive predictive value of 80%. In summary, the available evidence is currently insufficient to determine the role of this variant in disease. Therefore, it has been classified as a Variant of Uncertain Significance.

Breakthrough Genomics
Classification: Uncertain significance. Review status: criteria provided, single submitter. Criteria: ACMG Guidelines, 2015. Collection method: not provided. Allele origin: germline. Inheritance: Autosomal recessive inheritance. Affected: yes.

NM_199242.3(UNC13D):c.197G>A (p.Arg66His)

Gene: UNC13D (unc-13 homolog D; minus strand). Cytogenetic location: 17q25.1.
Variant type: single nucleotide variant.
Coding change: c.197G>A on transcript NM_199242.3 (MANE Select); coding-DNA position 197, G replaced by A.
Protein change: p.Arg66His; replaces arginine 66 with histidine.
Molecular consequence: missense variant.
Genome position (GRCh38, 1-based): chr17:75,843,223, C>T on the plus strand (G>A on the coding strand, the complement: UNC13D is on the minus strand). VCF-style: chr17-75843223-C-T. GRCh37 (hg19) VCF-style: chr17-73839304-C-T.
Other names: short protein forms R66H.
Identifiers: ClinVar variation 1007793 (VCV001007793.5), dbSNP rs371943727, ClinGen allele CA8773586.